The following is an entry in ClinVar:

NM_152743.4(BRAT1):c.2236G>C (p.Ala746Pro)

Gene: BRAT1 (BRCA1 associated ATM activator 1; minus strand). Cytogenetic location: 7p22.3.
Variant type: single nucleotide variant.
Coding change: c.2236G>C on transcript NM_152743.4 (MANE Select); coding-DNA position 2236, G replaced by C.
Protein change: p.Ala746Pro; replaces alanine 746 with proline.
Molecular consequence: missense variant. On other transcripts: non-coding transcript variant (1).
Genome position (GRCh38, 1-based): chr7:2,538,299, C>G on the plus strand (G>C on the coding strand, the complement: BRAT1 is on the minus strand). VCF-style: chr7-2538299-C-G. GRCh37 (hg19) VCF-style: chr7-2577933-C-G.
Other names: c.2416G>C, p.Ala806Pro (NM_001350626.2); c.1711G>C, p.Ala571Pro (NM_001350627.2); short protein forms A571P, A746P, A806P.
Identifiers: ClinVar variation 1000190 (VCV001000190.6), dbSNP rs1319707460, ClinGen allele CA366624153.

ClinVar aggregate classification (germline): Uncertain significance (1 of 4 stars; one submission).

Conditions:
Neonatal-onset encephalopathy with rigidity and seizures. Also called: Lethal neonatal spasticity-epileptic encephalopathy syndrome. Identifiers: Orphanet 435845, MedGen C3281029, MONDO:0013784, OMIM 614498.

Allele frequency attached by ClinVar (database versions not stated): TOPMed below 0.00001; gnomAD 0.00001; gnomAD exomes 0.00001.
gnomAD v4.1: 12 of 1,612,596 alleles (0.00074%); highest among the groups gnomAD compares: African/African-American, 0.0013%; no homozygotes.

Submission:

Labcorp Genetics (formerly Invitae), Labcorp
Classification: Uncertain significance for Neonatal-onset encephalopathy with rigidity and seizures. Last evaluated: 2022-06-20. Review status: criteria provided, single submitter. Criteria: Invitae Variant Classification Sherloc (09022015). Collection method: clinical testing. Allele origin: germline.
Comment: This sequence change replaces alanine, which is neutral and non-polar, with proline, which is neutral and non-polar, at codon 746 of the BRAT1 protein (p.Ala746Pro). This variant is present in population databases (no rsID available, gnomAD 0.01%). This variant has not been reported in the literature in individuals affected with BRAT1-related conditions. ClinVar contains an entry for this variant (Variation ID: 1000190). Algorithms developed to predict the effect of missense changes on protein structure and function (SIFT, PolyPhen-2, Align-GVGD) all suggest that this variant is likely to be tolerated. In summary, the available evidence is currently insufficient to determine the role of this variant in disease. Therefore, it has been classified as a Variant of Uncertain Significance.